The following is an entry in ClinVar:

ClinVar aggregate classification (germline): Uncertain significance (1 of 4 stars; one submission).

Conditions:
Obesity, hyperphagia, and developmental delay (OBHD). Identifiers: Orphanet 99704, MedGen C3151303, MONDO:0013483, OMIM 613886.

Allele frequency attached by ClinVar (database versions not stated): gnomAD exomes below 0.00001.
gnomAD v4.1: 1 of 1,614,176 alleles (0.000062%); highest among the groups gnomAD compares: Non-Finnish European, 0.000085%; no homozygotes.

Submission:

Institute of Human Genetics, University of Leipzig Medical Center
Classification: Uncertain significance for Obesity, hyperphagia, and developmental delay. Last evaluated: 2024-02-13. Review status: criteria provided, single submitter. Criteria: ACMG Guidelines, 2015. Collection method: clinical testing. Allele origin: unknown. Inheritance: Autosomal dominant inheritance. Affected: yes. Observed: 2 variant alleles.
Comment: Criteria applied: PM2_Sup, PP3

NM_006180.6(NTRK2):c.2144G>A (p.Arg715Gln)

Gene: NTRK2 (neurotrophic receptor tyrosine kinase 2; plus strand). Cytogenetic location: 9q21.33.
Variant type: single nucleotide variant.
Coding change: c.2144G>A on transcript NM_006180.6 (MANE Select); coding-DNA position 2144, G replaced by A.
Protein change: p.Arg715Gln; replaces arginine 715 with glutamine.
Molecular consequence: missense variant.
Genome position (GRCh38, 1-based): chr9:84,955,489, G>A. VCF-style: chr9-84955489-G-A. GRCh37 (hg19) VCF-style: chr9-87570404-G-A.
Other names: c.2096G>A, p.Arg699Gln (NM_001018064.3, NM_001369532.1, NM_001369533.1); c.2060G>A, p.Arg687Gln (NM_001369534.1); c.1628G>A, p.Arg543Gln (NM_001369535.1); c.1676G>A, p.Arg559Gln (NM_001369536.1); c.2144G>A, p.Arg715Gln (NM_001381928.1); short protein forms R543Q, R559Q, R687Q, R699Q, R715Q.
Identifiers: ClinVar variation 3068725 (VCV003068725.1), dbSNP rs2132979144, ClinGen allele CA374010345.
Genomic context (GRCh38, chr9:84,955,489, plus strand): 5'-CCAGGAACTGCCTGGTCGGGGAGAACTTGCTGGTGAAAATCGGGGACTTTGGGATGTCCC[G>A]GGACGTGTACAGCACTGACTACTACAGGGTGAGTAGCTGTGCAGATCAGAGACCCCAGGG-3'
Protein context (NP_006171.2, residues 705-725): LVKIGDFGMS[Arg715Gln]DVYSTDYYRV